The following is an entry in ClinVar:

NM_181426.2(CCDC39):c.1344A>T (p.Gln448His)

Gene: CCDC39 (coiled-coil domain 39 molecular ruler complex subunit; minus strand). Cytogenetic location: 3q26.33.
Variant type: single nucleotide variant.
Coding change: c.1344A>T on transcript NM_181426.2 (MANE Select); coding-DNA position 1344, A replaced by T.
Protein change: p.Gln448His; replaces glutamine 448 with histidine.
Molecular consequence: missense variant.
Genome position (GRCh38, 1-based): chr3:180,648,183, T>A on the plus strand (A>T on the coding strand, the complement: CCDC39 is on the minus strand). VCF-style: chr3-180648183-T-A. GRCh37 (hg19) VCF-style: chr3-180365971-T-A.
Other names: short protein forms Q448H.
Identifiers: ClinVar variation 1467709 (VCV001467709.5), dbSNP rs878974039, ClinGen allele CA88644708.

ClinVar aggregate classification (germline): Uncertain significance (1 of 4 stars; one submission).

Conditions:
Primary ciliary dyskinesia. Also called: Ciliary dyskinesia. Identifiers: Orphanet 244, MedGen C0008780, MONDO:0016575, HP:0012265.

Allele frequency attached by ClinVar (database versions not stated): gnomAD exomes below 0.00001; gnomAD 0.00001; 1000 Genomes Project 30x 0.00016.
gnomAD v4.1: 2 of 1,613,004 alleles (0.00012%); highest among the groups gnomAD compares: East Asian, 0.0045%; no homozygotes.

Submission:

Labcorp Genetics (formerly Invitae), Labcorp
Classification: Uncertain significance for Primary ciliary dyskinesia. Last evaluated: 2022-07-19. Review status: criteria provided, single submitter. Criteria: Invitae Variant Classification Sherloc (09022015). Collection method: clinical testing. Allele origin: germline.
Comment: This sequence change replaces glutamine, which is neutral and polar, with histidine, which is basic and polar, at codon 448 of the CCDC39 protein (p.Gln448His). This variant is present in population databases (no rsID available, gnomAD 0.006%). This variant has not been reported in the literature in individuals affected with CCDC39-related conditions. ClinVar contains an entry for this variant (Variation ID: 1467709). Algorithms developed to predict the effect of missense changes on protein structure and function are either unavailable or do not agree on the potential impact of this missense change (SIFT: "Tolerated"; PolyPhen-2: "Possibly Damaging"; Align-GVGD: "Class C0"). In summary, the available evidence is currently insufficient to determine the role of this variant in disease. Therefore, it has been classified as a Variant of Uncertain Significance.